The following is an entry in ClinVar:

NM_025137.4(SPG11):c.2317G>A (p.Val773Ile)

Gene: SPG11 (SPG11 vesicle trafficking associated, spatacsin; minus strand). Cytogenetic location: 15q21.1.
Variant type: single nucleotide variant.
Coding change: c.2317G>A on transcript NM_025137.4 (MANE Select); coding-DNA position 2317, G replaced by A.
Protein change: p.Val773Ile; replaces valine 773 with isoleucine.
Molecular consequence: missense variant.
Genome position (GRCh38, 1-based): chr15:44,622,347, C>T on the plus strand (G>A on the coding strand, the complement: SPG11 is on the minus strand). VCF-style: chr15-44622347-C-T. GRCh37 (hg19) VCF-style: chr15-44914545-C-T.
Other names: c.2317G>A, p.Val773Ile (NM_001160227.2); c.2317G>A (NM_025137.3); short protein forms V773I.
Identifiers: ClinVar variation 1488366 (VCV001488366.4), dbSNP rs766696581, ClinGen allele CA7535271.

ClinVar aggregate classification (germline): Uncertain significance. Review status: criteria provided, multiple submitters, no conflicts (2 of 4 stars). 2 submissions from 2 submitters: Uncertain significance (2). Last evaluated 2023-06-26.

Conditions:
Hereditary spastic paraplegia 11. Also called: Nakamura Osame syndrome; Autosomal recessive hereditary spastic paraplegia, mental impairment, and thin corpus callosum; SPASTIC PARAPLEGIA, AUTOSOMAL RECESSIVE, COMPLICATED, WITH THIN CORPUS CALLOSUM; SPASTIC PARAPLEGIA, AUTOSOMAL RECESSIVE, WITH MENTAL IMPAIRMENT AND THIN CORPUS CALLOSUM; Spastic paraplegia, mental retardation and thin corpus callosum; Spastic Paraplegia 11. Identifiers: Orphanet 2822, MedGen C1858479, MONDO:0011445, OMIM 604360.

Allele frequency attached by ClinVar (database versions not stated): ExAC 0.00001; gnomAD exomes 0.00001.
gnomAD v4.1: 5 of 1,546,342 alleles (0.00032%); highest among the groups gnomAD compares: Admixed American, 0.0018%; no homozygotes.

Submissions (2):

GeneDx
Classification: Uncertain significance. Last evaluated: 2023-06-26. Review status: criteria provided, single submitter. Criteria: GeneDx Variant Classification Process June 2021. Collection method: clinical testing. Allele origin: germline. Affected: yes.
Comment: Not observed at significant frequency in large population cohorts (gnomAD); In silico analysis supports that this missense variant has a deleterious effect on splicing; In silico analysis supports that this missense variant does not alter protein structure/function; Has not been previously published as pathogenic or benign to our knowledge

Labcorp Genetics (formerly Invitae), Labcorp
Classification: Uncertain significance for Hereditary spastic paraplegia 11. Last evaluated: 2022-10-17. Review status: criteria provided, single submitter. Criteria: Invitae Variant Classification Sherloc (09022015). Collection method: clinical testing. Allele origin: germline.
Comment: This sequence change replaces valine, which is neutral and non-polar, with isoleucine, which is neutral and non-polar, at codon 773 of the SPG11 protein (p.Val773Ile). The frequency data for this variant in the population databases is considered unreliable, as metrics indicate poor data quality at this position in the gnomAD database. This variant has not been reported in the literature in individuals affected with SPG11-related conditions. ClinVar contains an entry for this variant (Variation ID: 1488366). Algorithms developed to predict the effect of missense changes on protein structure and function are either unavailable or do not agree on the potential impact of this missense change (SIFT: "Tolerated"; PolyPhen-2: "Possibly Damaging"; Align-GVGD: "Class C0"). Algorithms developed to predict the effect of sequence changes on RNA splicing suggest that this variant may disrupt the consensus splice site. In summary, the available evidence is currently insufficient to determine the role of this variant in disease. Therefore, it has been classified as a Variant of Uncertain Significance.